The following is an entry in ClinVar:

ClinVar aggregate classification (germline): Conflicting classifications of pathogenicity. Review status: criteria provided, conflicting classifications (1 of 4 stars). 14 submissions from 14 submitters: Uncertain significance (1); Benign (1); Likely benign (9). 3 of the submissions do not count toward it. Last evaluated 2026-01-06.

Conditions:
BRCA2-related cancer predisposition. Identifiers: MedGen CN377758, MONDO:0700269.
BRCA2-related disorder. Also called: BRCA2-related condition; BRCA2-related disorders. Identifiers: MedGen CN239275.
Hereditary cancer-predisposing syndrome. Also called: Hereditary neoplastic syndrome; Tumor predisposition; Hereditary Cancer Syndrome; Neoplastic Syndromes, Hereditary. Identifiers: Orphanet 140162, MedGen C0027672, MeSH D009386, MONDO:0015356.
Hereditary breast ovarian cancer syndrome. Also called: Breast and ovarian cancer; Hereditary breast and/or ovarian cancer syndrome; BRCA1- and BRCA2-Associated Hereditary Breast and Ovarian Cancer; Hereditary breast and ovarian cancer syndrome; Hereditary breast and ovarian cancer; Hereditary breast and ovarian cancer syndrome (HBOC). Identifiers: Orphanet 145, MedGen C0677776, MeSH D061325, MONDO:0003582. Disease mechanism: loss of function.
Breast-ovarian cancer, familial, susceptibility to, 2 (BROVCA2). Also called: BRCA2 Hereditary Breast and Ovarian Cancer. Identifiers: Orphanet 145, MedGen C2675520, MONDO:0012933, OMIM 612555. Disease mechanism: loss of function.

Allele frequency attached by ClinVar (database versions not stated): ExAC 0.00001; gnomAD 0.00001; gnomAD exomes 0.00001 and 0.00002; TOPMed 0.00004.
gnomAD v4.1: 37 of 1,613,902 alleles (0.0023%); highest among the groups gnomAD compares: Admixed American, 0.0033%; no homozygotes.

Submissions (14):

Labcorp Genetics (formerly Invitae), Labcorp
Classification: Likely benign for Hereditary breast ovarian cancer syndrome. Last evaluated: 2026-01-06. Review status: criteria provided, single submitter. Criteria: Invitae Variant Classification Sherloc (09022015). Collection method: clinical testing. Allele origin: germline.

ARUP Laboratories, Molecular Genetics and Genomics, ARUP Laboratories
Classification: Likely benign. Last evaluated: 2025-06-18. Review status: criteria provided, single submitter. Criteria: ARUP Molecular Germline Variant Investigation Process 2024. Collection method: clinical testing. Allele origin: germline.

PreventionGenetics, part of Exact Sciences
Classification: Likely benign for BRCA2-related condition. Last evaluated: 2024-10-07. Review status: criteria provided, single submitter. Criteria: ACMG Guidelines, 2015. Collection method: clinical testing. Allele origin: germline.
Comment: This variant is classified as likely benign based on ACMG/AMP sequence variant interpretation guidelines (Richards et al. 2015 PMID: 25741868, with internal and published modifications).

Quest Diagnostics Nichols Institute San Juan Capistrano
Classification: Uncertain significance. Last evaluated: 2024-10-03. Review status: criteria provided, single submitter. Criteria: Quest Diagnostics criteria. Collection method: clinical testing. Allele origin: unknown.
Comment: The BRCA2 c.9581C>A (p.Pro3194Gln) variant has been reported in the published literature in individuals with a personal and/or family history of breast and/or ovarian cancer (PMIDs: 34178674 (2021), 34026625 (2021), 32854451 (2020), 32438681 (2020), 27403073 (2016), 27223485 (2016)), including one individual who also carried a pathogenic BRCA1 variant (PMID:29116469 (2018)). In a large scale breast cancer association study, this variant has been observed in 3 breast cancer cases and 4 reportedly healthy individuals (PMID: 33471991 (2021), see also LOVD). Functional studies demonstrated that this variant has an inconclusive effect on protein function (PMID: 23704879 (2013)). The frequency of this variant in the general population, 0.000023 (3/129140 chromosomes (Genome Aggregation Database)), is uninformative in the assessment of its pathogenicity. Analysis of this variant using bioinformatics tools for the prediction of the effect of amino acid changes on protein structure and function yielded conflicting predictions that this variant is benign or damaging. Based on the available information, we are unable to determine the clinical significance of this variant.

Department of Pathology and Laboratory Medicine, Sinai Health System
Classification: Likely benign for BRCA2-related cancer predisposition. Last evaluated: 2024-08-09. Review status: criteria provided, single submitter. Criteria: ACMG Guidelines, 2015. Collection method: clinical testing. Allele origin: germline. Affected: no.

All of Us Research Program, National Institutes of Health
Classification: Likely benign for BRCA2-related cancer predisposition. Last evaluated: 2024-05-14. Review status: criteria provided, single submitter. Criteria: ACMG Guidelines, 2015. Collection method: clinical testing. Allele origin: germline. Inheritance: Autosomal dominant inheritance. Observed: 9 variant alleles, 9 heterozygotes.
Comment: This study involves interpretation of variants in research participants for the purpose of population health screening. Participant phenotype was not available at the time of variant classification. Additional details can be found in publication PMID: 35346344, PMCID: PMC8962531

Blueprint Genetics
Classification: Likely benign. Last evaluated: 2022-12-15. Review status: criteria provided, single submitter. Criteria: ACMG Guidelines, 2015. Collection method: clinical testing. Allele origin: germline.

Women's Health and Genetics/Laboratory Corporation of America, LabCorp
Classification: Benign. Last evaluated: 2022-01-14. Review status: criteria provided, single submitter. Criteria: LabCorp Variant Classification Summary - May 2015. Collection method: clinical testing. Allele origin: germline.
Comment: Variant summary: BRCA2 c.9581C>A (p.Pro3194Gln) results in a non-conservative amino acid change in the encoded protein sequence. Three of five in-silico tools predict a damaging effect of the variant on protein function. The variant allele was found at a frequency of 1.2e-05 in 251964 control chromosomes (gnomAD). The available data on variant occurrences in the general population are insufficient to allow any conclusion about variant significance. c.9581C>A has been reported in the literature in individuals affected with Hereditary Breast and Ovarian Cancer (Palmero_2015, Brianese_2018). These reports however, do not provide unequivocal conclusions about association of the variant with Hereditary Breast And Ovarian Cancer Syndrome. Co-occurrences with other pathogenic variants have been reported (BRCA1 c.5266dupC, p.Gln1756Profs*74; BRCA2 c.3978_3979ins4, p.Ala1327fsX4) (BIC database and Brianese_2018), providing supporting evidence for a benign role. A recent case-control study showed that this variant is not associated with breast cancer (Dorling_2021). One publication reports experimental evidence evaluating an impact on protein function, however, does not allow convincing conclusions about the variant effect (Tram_2013). Six other ClinVar submitters (evaluation after 2014) cite the variant as likely benign (n=4) or uncertain significance (n=2). Based on the evidence outlined above, the variant was classified as benign.

GeneDx
Classification: Likely benign. Last evaluated: 2019-08-19. Review status: criteria provided, single submitter. Criteria: GeneDx Variant Classification Process June 2021. Collection method: clinical testing. Allele origin: germline. Affected: yes.
Comment: This variant is associated with the following publications: (PMID: 22875147, 23704879, 18724707, 27223485, 21702907, 29116469, 27403073, 32854451)

Ambry Genetics
Classification: Likely benign for Hereditary cancer-predisposing syndrome. Last evaluated: 2018-12-24. Review status: criteria provided, single submitter. Criteria: Ambry Variant Classification Scheme 2023. Collection method: clinical testing. Allele origin: germline.

Color Diagnostics, LLC DBA Color Health
Classification: Likely benign for Hereditary cancer-predisposing syndrome. Last evaluated: 2017-06-12. Review status: criteria provided, single submitter. Criteria: ACMG Guidelines, 2015. Collection method: clinical testing. Allele origin: germline.

Counsyl
Classification: Uncertain significance for Breast-ovarian cancer, familial, susceptibility to, 2. Last evaluated: 2015-11-18. Review status: no assertion criteria provided. Collection method: clinical testing. Allele origin: unknown. Not counted in ClinVar's aggregate classification.

Sharing Clinical Reports Project (SCRP)
Classification: Benign for Breast-ovarian cancer, familial 2. Last evaluated: 2012-02-08. Review status: no assertion criteria provided. Collection method: clinical testing. Allele origin: germline. Not counted in ClinVar's aggregate classification.

Breast Cancer Information Core (BIC) (BRCA2)
Classification: Uncertain significance for Breast-ovarian cancer, familial 2. Last evaluated: 2004-02-20. Review status: no assertion criteria provided. Collection method: clinical testing. Allele origin: germline. Affected: yes. Observed: 6 variant alleles. Not counted in ClinVar's aggregate classification.

Literature cited by the submitters: PubMed 33471991 (cited by 3 submitters); PubMed 31112341 (cited by Quest Diagnostics Nichols Institute San Juan Capistrano and Women's Health and Genetics/Laboratory Corporation of America, LabCorp); PubMed 32854451 (cited by Quest Diagnostics Nichols Institute San Juan Capistrano); PubMed 35534704 (cited by Quest Diagnostics Nichols Institute San Juan Capistrano); PubMed 34026625 (cited by Quest Diagnostics Nichols Institute San Juan Capistrano); PubMed 34178674 (cited by Quest Diagnostics Nichols Institute San Juan Capistrano); PubMed 32438681 (cited by Quest Diagnostics Nichols Institute San Juan Capistrano and Department of Pathology and Laboratory Medicine, Sinai Health System); PubMed 27403073 (cited by 3 submitters); PubMed 29116469 (cited by 4 submitters); PubMed 27223485 (cited by 4 submitters); PubMed 23704879 (cited by 3 submitters); PubMed 18724707 (cited by 3 submitters); PubMed 21702907 (cited by Women's Health and Genetics/Laboratory Corporation of America, LabCorp and Counsyl); PubMed 22875147 (cited by Women's Health and Genetics/Laboratory Corporation of America, LabCorp); PubMed 25348012 (cited by Women's Health and Genetics/Laboratory Corporation of America, LabCorp); PubMed 25722345 (cited by Women's Health and Genetics/Laboratory Corporation of America, LabCorp).

NM_000059.4(BRCA2):c.9581C>A (p.Pro3194Gln)

Gene: BRCA2 (BRCA2 DNA repair associated; plus strand). Cytogenetic location: 13q13.1.
Variant type: single nucleotide variant.
Coding change: c.9581C>A on transcript NM_000059.4 (MANE Select); coding-DNA position 9581, C replaced by A.
Protein change: p.Pro3194Gln; replaces proline 3194 with glutamine.
Molecular consequence: missense variant.
Genome position (GRCh38, 1-based): chr13:32,396,977, C>A. VCF-style: chr13-32396977-C-A. GRCh37 (hg19) VCF-style: chr13-32971114-C-A.
Other names: p.P3194Q:CCA>CAA; 9809C>A; short protein forms P3194Q.
Identifiers: ClinVar variation 38250 (VCV000038250.36), dbSNP rs28897760, ClinGen allele CA026221.